The following is an entry in ClinVar:

NM_000094.4(COL7A1):c.8333G>A (p.Gly2778Asp)

Gene: COL7A1 (collagen type VII alpha 1 chain; minus strand). Cytogenetic location: 3p21.31.
Variant type: single nucleotide variant.
Coding change: c.8333G>A on transcript NM_000094.4 (MANE Select); coding-DNA position 8333, G replaced by A.
Protein change: p.Gly2778Asp; replaces glycine 2778 with aspartic acid.
Molecular consequence: missense variant.
Genome position (GRCh38, 1-based): chr3:48,566,535, C>T on the plus strand (G>A on the coding strand, the complement: COL7A1 is on the minus strand). VCF-style: chr3-48566535-C-T. GRCh37 (hg19) VCF-style: chr3-48603968-C-T.
Other names: short protein forms G2778D.
Identifiers: ClinVar variation 2203353 (VCV002203353.4), dbSNP rs2530813199, ClinGen allele CA352636874.

ClinVar aggregate classification (germline): Likely pathogenic (1 of 4 stars; one submission).

Submission:

Labcorp Genetics (formerly Invitae), Labcorp
Classification: Likely pathogenic. Last evaluated: 2022-09-01. Review status: criteria provided, single submitter. Criteria: Invitae Variant Classification Sherloc (09022015). Collection method: clinical testing. Allele origin: germline.
Comment: This missense change has been observed in individual(s) with autosomal recessive dystrophic epidermolysis bullosa (PMID: 24252097). Advanced modeling of protein sequence and biophysical properties (such as structural, functional, and spatial information, amino acid conservation, physicochemical variation, residue mobility, and thermodynamic stability) performed at Invitae indicates that this missense variant is expected to disrupt COL7A1 protein function. In summary, the currently available evidence indicates that the variant is pathogenic, but additional data are needed to prove that conclusively. Therefore, this variant has been classified as Likely Pathogenic. This variant is not present in population databases (gnomAD no frequency). This sequence change replaces glycine, which is neutral and non-polar, with aspartic acid, which is acidic and polar, at codon 2778 of the COL7A1 protein (p.Gly2778Asp).

Literature cited by the submitters: PubMed 24252097.